The following is an entry in ClinVar:

NM_078480.3(PUF60):c.1388T>A (p.Val463Glu)

Gene: PUF60 (poly(U) binding splicing factor 60; minus strand). Cytogenetic location: 8q24.3.
Variant type: single nucleotide variant.
Coding change: c.1388T>A on transcript NM_078480.3 (MANE Select); coding-DNA position 1388, T replaced by A.
Protein change: p.Val463Glu; replaces valine 463 with glutamic acid.
Molecular consequence: missense variant.
Genome position (GRCh38, 1-based): chr8:143,816,812, A>T on the plus strand (T>A on the coding strand, the complement: PUF60 is on the minus strand). VCF-style: chr8-143816812-A-T. GRCh37 (hg19) VCF-style: chr8-144898982-A-T.
Other names: c.1259T>A, p.Val420Glu (NM_001136033.3); c.1334T>A, p.Val445Glu (NM_001271096.2); c.1250T>A, p.Val417Glu (NM_001271097.2); c.1385T>A, p.Val462Glu (NM_001271098.2); c.1301T>A, p.Val434Glu (NM_001271099.2); c.1208T>A, p.Val403Glu (NM_001271100.2); c.1499T>A, p.Val500Glu (NM_001362895.2, NM_001362896.2); c.1448T>A, p.Val483Glu (NM_001362897.2); and 1 more; short protein forms V403E, V417E, V420E, V434E, V445E, V446E, V462E, V463E.
Identifiers: ClinVar variation 4854708 (VCV004854708.1).

ClinVar aggregate classification (germline): Uncertain significance (1 of 4 stars; one submission).

Conditions:
8q24.3 microdeletion syndrome. Also called: CHROMOSOME 8q24.3 DELETION SYNDROME; Verheij syndrome. Identifiers: Orphanet 508488, MedGen C3810023, MONDO:0014263, OMIM 615583.

Submission:

3billion
Classification: Uncertain significance for 8q24.3 microdeletion syndrome. Last evaluated: 2026-01-23. Review status: criteria provided, single submitter. Criteria: ACMG Guidelines, 2015. Collection method: clinical testing. Allele origin: germline. Affected: yes.
Comment: The variant is not observed in the gnomAD v4.1.0 dataset. Predicted Consequence/Location: Missense variant In silico tool predictions suggest damaging effect of the variant on gene or gene product [3Cnet: 0.79 (> 0.75, sensitivity 0.96 and precision 0.92)]. The variant has been previously reported as assumed (i.e. paternity and maternity not confirmed) de novo in at least one similarly affected unrelated individual (3billion dataset). Therefore, this variant is classified as VUS according to the recommendation of ACMG/AMP guideline.